The following is an entry in ClinVar:

ClinVar aggregate classification (germline): Uncertain significance (1 of 4 stars; one submission).

Allele frequency attached by ClinVar (database versions not stated): gnomAD exomes below 0.00001.
gnomAD v4.1: 1 of 1,614,230 alleles (0.000062%); highest among the groups gnomAD compares: Non-Finnish European, 0.000085%; no homozygotes.

Submission:

Labcorp Genetics (formerly Invitae), Labcorp
Classification: Uncertain significance. Last evaluated: 2020-07-15. Review status: criteria provided, single submitter. Criteria: Invitae Variant Classification Sherloc (09022015). Collection method: clinical testing. Allele origin: germline.
Comment: This variant is not present in population databases (ExAC no frequency). This sequence change replaces glycine with aspartic acid at codon 299 of the TRPM1 protein (p.Gly299Asp). The glycine residue is highly conserved and there is a moderate physicochemical difference between glycine and aspartic acid. This variant has not been reported in the literature in individuals with TRPM1-related conditions. Algorithms developed to predict the effect of missense changes on protein structure and function are either unavailable or do not agree on the potential impact of this missense change (SIFT: "Tolerated"; PolyPhen-2: "Possibly Damaging"; Align-GVGD: "Class C0"). In summary, the available evidence is currently insufficient to determine the role of this variant in disease. Therefore, it has been classified as a Variant of Uncertain Significance.

NM_001252024.2(TRPM1):c.962G>A (p.Gly321Asp)

Gene: TRPM1 (transient receptor potential cation channel subfamily M member 1; minus strand). Cytogenetic location: 15q13.3.
Variant type: single nucleotide variant.
Coding change: c.962G>A on transcript NM_001252024.2 (MANE Select); coding-DNA position 962, G replaced by A.
Protein change: p.Gly321Asp; replaces glycine 321 with aspartic acid.
Molecular consequence: missense variant.
Genome position (GRCh38, 1-based): chr15:31,063,121, C>T on the plus strand (G>A on the coding strand, the complement: TRPM1 is on the minus strand). VCF-style: chr15-31063121-C-T. GRCh37 (hg19) VCF-style: chr15-31355324-C-T.
Other names: c.1013G>A, p.Gly338Asp (NM_001252020.2); c.896G>A, p.Gly299Asp (NM_002420.6); short protein forms G338D, G321D, G299D.
Identifiers: ClinVar variation 1036109 (VCV001036109.8), dbSNP rs757595570, ClinGen allele CA267496144.